The following is an entry in ClinVar:

NM_000216.4(ANOS1):c.1210G>A (p.Glu404Lys)

Gene: ANOS1 (anosmin 1; minus strand). Cytogenetic location: Xp22.31.
Variant type: single nucleotide variant.
Coding change: c.1210G>A on transcript NM_000216.4 (MANE Select); coding-DNA position 1210, G replaced by A.
Protein change: p.Glu404Lys; replaces glutamic acid 404 with lysine.
Molecular consequence: missense variant.
Genome position (GRCh38, 1-based): chrX:8,554,096, C>T on the plus strand (G>A on the coding strand, the complement: ANOS1 is on the minus strand). VCF-style: chrX-8554096-C-T. GRCh37 (hg19) VCF-style: chrX-8522137-C-T.
Other names: short protein forms E404K.
Identifiers: ClinVar variation 2895967 (VCV002895967.3), dbSNP rs190618510, ClinGen allele CA10343658.

ClinVar aggregate classification (germline): Uncertain significance (1 of 4 stars; one submission).

Conditions:
Hypogonadotropic hypogonadism 1 with or without anosmia (HH1). Also called: Kallmann syndrome, type 1, X-linked; DYSPLASIA OLFACTOGENITALIS OF DE MORSIER; HYPOGONADOTROPIC HYPOGONADISM 1 WITH ANOSMIA; Hypogonadotropic hypogonadism 1 with or without anosmia (Kallmann syndrome 1); KAL1-Related GnRH Deficiency (Kallmann Syndrome 1; Kallmann Syndrome, X-Linked); HYPOGONADOTROPIC HYPOGONADISM AND ANOSMIA. Identifiers: Orphanet 478, MedGen C1563719, MONDO:0010635, OMIM 308700. Disease mechanism: loss of function.

Allele frequency attached by ClinVar (database versions not stated): gnomAD 0.00002; 1000 Genomes Project 30x 0.00021; ExAC 0.00003; 1000 Genomes Project 0.00026; gnomAD exomes 0.00002.
gnomAD v4.1: 25 of 1,198,044 alleles (0.0021%); highest among the groups gnomAD compares: East Asian, 0.074%; no homozygotes.

Submission:

Labcorp Genetics (formerly Invitae), Labcorp
Classification: Uncertain significance for Hypogonadotropic hypogonadism 1 with or without anosmia. Last evaluated: 2023-01-22. Review status: criteria provided, single submitter. Criteria: Invitae Variant Classification Sherloc (09022015). Collection method: clinical testing. Allele origin: germline.
Comment: In summary, the available evidence is currently insufficient to determine the role of this variant in disease. Therefore, it has been classified as a Variant of Uncertain Significance. Algorithms developed to predict the effect of sequence changes on RNA splicing suggest that this variant may disrupt the consensus splice site. Algorithms developed to predict the effect of missense changes on protein structure and function (SIFT, PolyPhen-2, Align-GVGD) all suggest that this variant is likely to be tolerated. This variant has not been reported in the literature in individuals affected with ANOS1-related conditions. This variant is present in population databases (rs190618510, gnomAD 0.01%), including at least one homozygous and/or hemizygous individual. This sequence change replaces glutamic acid, which is acidic and polar, with lysine, which is basic and polar, at codon 404 of the ANOS1 protein (p.Glu404Lys).